The following is an entry in ClinVar:

NM_004990.4(MARS1):c.1636-9T>C

Gene: MARS1 (methionyl-tRNA synthetase 1; plus strand). Cytogenetic location: 12q13.3.
Variant type: single nucleotide variant.
Coding change: c.1636-9T>C on transcript NM_004990.4 (MANE Select); 9 bases into the intron before coding-DNA position 1636, T replaced by C.
Molecular consequence: intron variant.
Genome position (GRCh38, 1-based): chr12:57,512,227, T>C. VCF-style: chr12-57512227-T-C. GRCh37 (hg19) VCF-style: chr12-57906010-T-C.
Identifiers: ClinVar variation 767557 (VCV000767557.11), dbSNP rs373186969, ClinGen allele CA6650582.

ClinVar aggregate classification (germline): Likely benign. Review status: criteria provided, multiple submitters, no conflicts (2 of 4 stars). 2 submissions from 2 submitters: Likely benign (2). Last evaluated 2025-09-16.

Conditions:
MARS1-related disorder. Also called: MARS1-related condition.
Severe early-onset pulmonary alveolar proteinosis due to MARS deficiency. Also called: PULMONARY ALVEOLAR PROTEINOSIS, REUNION ISLAND; Interstitial lung and liver disease. Identifiers: Orphanet 440427, MedGen C4225400, MONDO:0014206, OMIM 615486.
Charcot-Marie-Tooth disease axonal type 2U. Also called: CHARCOT-MARIE-TOOTH NEUROPATHY, TYPE 2U; CHARCOT-MARIE-TOOTH DISEASE, AXONAL, AUTOSOMAL DOMINANT, TYPE 2U. Identifiers: Orphanet 397735, MedGen C4084821, MONDO:0014566, OMIM 616280.

Allele frequency attached by ClinVar (database versions not stated): gnomAD exomes 0.00006 and 0.00019; ExAC 0.00023; gnomAD 0.00058 and 0.00059; ESP Exome Variant Server 0.00069; TOPMed 0.00069; 1000 Genomes Project 0.00100; 1000 Genomes Project 30x 0.00125.
gnomAD v4.1: 181 of 1,612,304 alleles (0.011%); highest among the groups gnomAD compares: African/African-American, 0.22%; 1 homozygote.

Submissions (2):

Labcorp Genetics (formerly Invitae), Labcorp
Classification: Likely benign for Charcot-Marie-Tooth disease axonal type 2U; Severe early-onset pulmonary alveolar proteinosis due to MARS deficiency. Last evaluated: 2025-09-16. Review status: criteria provided, single submitter. Criteria: Invitae Variant Classification Sherloc (09022015). Collection method: clinical testing. Allele origin: germline.

PreventionGenetics, part of Exact Sciences
Classification: Likely benign for MARS1-related condition. Last evaluated: 2025-05-15. Review status: criteria provided, single submitter. Criteria: ACMG Guidelines, 2015. Collection method: clinical testing. Allele origin: germline.
Comment: This variant is classified as likely benign based on ACMG/AMP sequence variant interpretation guidelines (Richards et al. 2015 PMID: 25741868, with internal and published modifications).